The following is an entry in ClinVar:

ClinVar aggregate classification (germline): Pathogenic (1 of 4 stars; one submission).

Conditions:
Wilson disease (WND). Also called: Wilson's disease. Identifiers: Orphanet 905, MedGen C0019202, MONDO:0010200, OMIM 277900. Disease mechanism: loss of function.

Submission:

Labcorp Genetics (formerly Invitae), Labcorp
Classification: Pathogenic for Wilson disease. Last evaluated: 2025-02-12. Review status: criteria provided, single submitter. Criteria: Invitae Variant Classification Sherloc (09022015). Collection method: clinical testing. Allele origin: germline.
Comment: This sequence change replaces glycine, which is neutral and non-polar, with arginine, which is basic and polar, at codon 1176 of the ATP7B protein (p.Gly1176Arg). This variant is not present in population databases (gnomAD no frequency). This missense change has been observed in individual(s) with Wilson disease (PMID: 9887381, 11243728, 15845031, 20958917, 33640437). ClinVar contains an entry for this variant (Variation ID: 50883). Invitae Evidence Modeling of protein sequence and biophysical properties (such as structural, functional, and spatial information, amino acid conservation, physicochemical variation, residue mobility, and thermodynamic stability) indicates that this missense variant is expected to disrupt ATP7B protein function with a positive predictive value of 80%. For these reasons, this variant has been classified as Pathogenic.

Literature cited by the submitters: PubMed 9887381; PubMed 11243728; PubMed 15845031; PubMed 20958917; PubMed 33640437.

NM_000053.4(ATP7B):c.3526G>A (p.Gly1176Arg)

Gene: ATP7B (ATPase copper transporting beta; minus strand). Cytogenetic location: 13q14.3.
Variant type: single nucleotide variant.
Coding change: c.3526G>A on transcript NM_000053.4 (MANE Select); coding-DNA position 3526, G replaced by A.
Protein change: p.Gly1176Arg; replaces glycine 1176 with arginine.
Molecular consequence: missense variant.
Genome position (GRCh38, 1-based): chr13:51,941,111, C>T on the plus strand (G>A on the coding strand, the complement: ATP7B is on the minus strand). VCF-style: chr13-51941111-C-T. GRCh37 (hg19) VCF-style: chr13-52515247-C-T.
Other names: c.2905G>A, p.Gly969Arg (NM_001005918.3); c.3193G>A, p.Gly1065Arg (NM_001243182.2); c.3292G>A, p.Gly1098Arg (NM_001330578.2); c.3274G>A, p.Gly1092Arg (NM_001330579.2); short protein forms G1176R, G1092R, G1098R, G969R, G1065R.
Identifiers: ClinVar variation 50883 (VCV000050883.7), dbSNP rs137853279, ClinGen allele CA351338.
Genomic context (GRCh38, chr13:51,941,111, plus strand): 5'-GAGCGGAAGGAAGGCAGAAGCAGAAGATACCGTCAATAGCCACCAGGATGGCTGTCTGTC[C>T]TTTCATCTCGTGGTCTGTCATAGCGTCACTGACATCGCTAGAAATGGTTAAACCGTTGCG-3'
Protein context (NP_000044.2, residues 1166-1186): SDAMTDHEMK[Gly1176Arg]QTAILVAIDG